The following is an entry in ClinVar:

NM_001276345.2(TNNT2):c.484C>T (p.Leu162=)

Gene: TNNT2 (troponin T2, cardiac type; minus strand). Cytogenetic location: 1q32.1.
Variant type: single nucleotide variant.
Coding change: c.484C>T on transcript NM_001276345.2 (MANE Select); coding-DNA position 484, C replaced by T.
Protein change: p.Leu162=; no amino-acid change (leucine 162 retained).
Molecular consequence: synonymous variant.
Genome position (GRCh38, 1-based): chr1:201,364,303, G>A on the plus strand (C>T on the coding strand, the complement: TNNT2 is on the minus strand). VCF-style: chr1-201364303-G-A. GRCh37 (hg19) VCF-style: chr1-201333431-G-A.
Other names: c.484C>T, p.Leu162= (NM_000364.4, NM_001406723.1); c.454C>T, p.Leu152= (NM_001001430.3, NM_001001431.3, NM_001276347.2 and 3 more transcripts); c.439C>T, p.Leu147= (NM_001001432.3, NM_001406728.1); c.364C>T, p.Leu122= (NM_001276346.2); c.451C>T, p.Leu151= (NM_001406725.1).
Identifiers: ClinVar variation 3894688 (VCV003894688.1).

ClinVar aggregate classification (germline): Likely benign (1 of 4 stars; one submission).

gnomAD v4.1: 1 of 1,612,534 alleles (0.000062%); highest among the groups gnomAD compares: Non-Finnish European, 0.000085%; no homozygotes.

Submission:

Molecular Diagnostic Laboratory for Inherited Cardiovascular Disease, Montreal Heart Institute
Classification: Likely benign. Last evaluated: 2025-04-09. Review status: criteria provided, single submitter. Criteria: ACMG Guidelines, 2015. Collection method: clinical testing. Allele origin: germline. Affected: no.
Comment: BP7